The following is an entry in ClinVar:

ClinVar aggregate classification (germline): Conflicting classifications of pathogenicity. Review status: criteria provided, conflicting classifications (1 of 4 stars). 8 submissions from 7 submitters: Uncertain significance (3); Benign (2); Likely benign (3). Last evaluated 2026-09-01.

Conditions:
Congenital adrenal hyperplasia. Identifiers: Orphanet 418, MedGen C0001627, MONDO:0018479, HP:0008258.
Deficiency of steroid 11-beta-monooxygenase (CYP11B1). Also called: STEROID 11-BETA-HYDROXYLASE DEFICIENCY; Congenital adrenal hyperplasia due to 11-beta-hydroxylase deficiency; ADRENAL HYPERPLASIA IV; ADRENAL HYPERPLASIA, CONGENITAL, DUE TO STEROID 11-BETA-HYDROXYLASE DEFICIENCY; 11-BETA-HYDROXYLASE DEFICIENCY; P450C11B1 DEFICIENCY. Identifiers: Orphanet 90795, MedGen C0268292, MONDO:0008729, OMIM 202010. Disease mechanism: loss of function.
Glucocorticoid-remediable aldosteronism. Also called: Hyperaldosteronism, familial, type I; FH I; GLUCOCORTICOID-SUPPRESSIBLE HYPERALDOSTERONISM; ACTH-DEPENDENT HYPERALDOSTERONISM SYNDROME; ALDOSTERONISM, SENSITIVE TO DEXAMETHASONE. Identifiers: Orphanet 403, MedGen C3838731, MONDO:0007080, OMIM 103900.

Allele frequency attached by ClinVar (database versions not stated): 1000 Genomes Project 30x 0.00172; gnomAD 0.00233 and 0.00248; ExAC 0.00117; TOPMed 0.00261; 1000 Genomes Project 0.00280; gnomAD exomes 0.00068 and 0.00026; ESP Exome Variant Server 0.00261.

Submissions (8):

CeGaT Center for Human Genetics Tuebingen
Classification: Likely benign. Last evaluated: 2026-09-01. Review status: criteria provided, single submitter. Criteria: CeGaT Center For Human Genetics Tuebingen Variant Classification Criteria Version 2. Collection method: clinical testing. Allele origin: germline. Affected: yes. Observed: 1 variant allele.
Comment: CYP11B1: BS2

Labcorp Genetics (formerly Invitae), Labcorp
Classification: Benign. Last evaluated: 2026-01-17. Review status: criteria provided, single submitter. Criteria: Invitae Variant Classification Sherloc (09022015). Collection method: clinical testing. Allele origin: germline.

Mayo Clinic Laboratories, Mayo Clinic
Classification: Likely benign. Last evaluated: 2024-09-13. Review status: criteria provided, single submitter. Criteria: ACMG Guidelines, 2015. Collection method: clinical testing. Allele origin: germline. Observed: 2 variant alleles.
Comment: BS1, BP4

Blueprint Genetics
Classification: Likely benign. Last evaluated: 2024-08-28. Review status: criteria provided, single submitter. Criteria: ACMG Guidelines, 2015. Collection method: clinical testing. Allele origin: germline.

Illumina Laboratory Services, Illumina
Classification: Uncertain significance for Deficiency of steroid 11-beta-monooxygenase. Last evaluated: 2018-01-13. Review status: criteria provided, single submitter. Criteria: ICSL Variant Classification Criteria 13 December 2019. Collection method: clinical testing. Allele origin: germline.

Illumina Laboratory Services, Illumina
Classification: Benign for Glucocorticoid-remediable aldosteronism. Last evaluated: 2018-01-13. Review status: criteria provided, single submitter. Criteria: ICSL Variant Classification Criteria 13 December 2019. Collection method: clinical testing. Allele origin: germline.
Comment: This variant was observed in the ICSL laboratory as part of a predisposition screen in an ostensibly healthy population. It had not been previously curated by ICSL or reported in the Human Gene Mutation Database (HGMD: prior to June 1st, 2018), and was therefore a candidate for classification through an automated scoring system. Utilizing variant allele frequency, disease prevalence and penetrance estimates, and inheritance mode, an automated score was calculated to assess if this variant is too frequent to cause the disease. Based on the score and internal cut-off values, a variant classified as benign is not then subjected to further curation. The score for this variant resulted in a classification of benign for this disease.

Athena Diagnostics
Classification: Uncertain significance. Last evaluated: 2016-11-23. Review status: criteria provided, single submitter. Criteria: Athena Diagnostics Criteria. Collection method: clinical testing. Allele origin: germline.

Women's Health and Genetics/Laboratory Corporation of America, LabCorp
Classification: Uncertain significance for Congenital Adrenal Hyperplasia. Last evaluated: 2011-08-18. Review status: criteria provided, single submitter. Criteria: LabCorp Variant Classification Summary - May 2015. Collection method: curation, clinical testing. Allele origin: germline. Inheritance: autosomal recessive. Affected: yes.
ClinVar note: Converted during submission from uncertain to Uncertain significance.

Literature cited by the submitters: PubMed 9546661 (cited by 3 submitters); PubMed 12452430 (cited by Women's Health and Genetics/Laboratory Corporation of America, LabCorp); PubMed 15062555 (cited by Women's Health and Genetics/Laboratory Corporation of America, LabCorp); PubMed 15026188 (cited by Women's Health and Genetics/Laboratory Corporation of America, LabCorp).

NM_000497.4(CYP11B1):c.1003A>G (p.Asn335Asp)

Genes: CYP11B1 (cytochrome P450 family 11 subfamily B member 1; minus strand), LOC106799833 (CYP11B1 recombination region; plus strand). Cytogenetic location: 8q24.3.
Variant type: single nucleotide variant.
Coding change: c.1003A>G on transcript NM_000497.4 (MANE Select); coding-DNA position 1003, A replaced by G.
Protein change: p.Asn335Asp; replaces asparagine 335 with aspartic acid.
Molecular consequence: missense variant.
Genome position (GRCh38, 1-based): chr8:142,875,830, T>C on the plus strand (A>G on the coding strand, the complement: CYP11B1 is on the minus strand). VCF-style: chr8-142875830-T-C. GRCh37 (hg19) VCF-style: chr8-143957246-T-C.
Other names: c.1003A>G, p.Asn335Asp (NM_001026213.1); short protein forms N335D.
Identifiers: ClinVar variation 35977 (VCV000035977.20), dbSNP rs61752766, ClinGen allele CA213644.